The following is an entry in ClinVar:

ClinVar aggregate classification (germline): Uncertain significance (1 of 4 stars; one submission).

Submission:

Labcorp Genetics (formerly Invitae), Labcorp
Classification: Uncertain significance. Last evaluated: 2022-11-24. Review status: criteria provided, single submitter. Criteria: Invitae Variant Classification Sherloc (09022015). Collection method: clinical testing. Allele origin: germline.
Comment: In summary, the available evidence is currently insufficient to determine the role of this variant in disease. Therefore, it has been classified as a Variant of Uncertain Significance. Advanced modeling of protein sequence and biophysical properties (such as structural, functional, and spatial information, amino acid conservation, physicochemical variation, residue mobility, and thermodynamic stability) performed at Invitae indicates that this missense variant is not expected to disrupt GABRB1 protein function. This variant has not been reported in the literature in individuals affected with GABRB1-related conditions. This variant is not present in population databases (gnomAD no frequency). This sequence change replaces methionine, which is neutral and non-polar, with isoleucine, which is neutral and non-polar, at codon 394 of the GABRB1 protein (p.Met394Ile).

NM_000812.4(GABRB1):c.1182G>T (p.Met394Ile)

Gene: GABRB1 (gamma-aminobutyric acid type A receptor subunit beta1; plus strand). Cytogenetic location: 4p12.
Variant type: single nucleotide variant.
Coding change: c.1182G>T on transcript NM_000812.4 (MANE Select); coding-DNA position 1182, G replaced by T.
Protein change: p.Met394Ile; replaces methionine 394 with isoleucine.
Molecular consequence: missense variant.
Genome position (GRCh38, 1-based): chr4:47,425,775, G>T. VCF-style: chr4-47425775-G-T. GRCh37 (hg19) VCF-style: chr4-47427792-G-T.
Other names: short protein forms M394I.
Identifiers: ClinVar variation 2816270 (VCV002816270.3), dbSNP rs2475515713, ClinGen allele CA356767224.